The following is an entry in ClinVar:

ClinVar aggregate classification (germline): Uncertain significance (1 of 4 stars; one submission).

Allele frequency attached by ClinVar (database versions not stated): gnomAD exomes below 0.00001; TOPMed below 0.00001; gnomAD 0.00001.
gnomAD v4.1: 5 of 1,613,652 alleles (0.00031%); highest among the groups gnomAD compares: Admixed American, 0.0083%; no homozygotes.

Submission:

Labcorp Genetics (formerly Invitae), Labcorp
Classification: Uncertain significance. Last evaluated: 2021-06-07. Review status: criteria provided, single submitter. Criteria: Invitae Variant Classification Sherloc (09022015). Collection method: clinical testing. Allele origin: germline.
Comment: In summary, the available evidence is currently insufficient to determine the role of this variant in disease. Therefore, it has been classified as a Variant of Uncertain Significance. Algorithms developed to predict the effect of missense changes on protein structure and function are either unavailable or do not agree on the potential impact of this missense change (SIFT: "Deleterious"; PolyPhen-2: "Benign"; Align-GVGD: "Class C0"). This variant has not been reported in the literature in individuals with PDE6A-related conditions. This variant is not present in population databases (ExAC no frequency). This sequence change replaces valine with phenylalanine at codon 294 of the PDE6A protein (p.Val294Phe). The valine residue is moderately conserved and there is a small physicochemical difference between valine and phenylalanine.

NM_000440.3(PDE6A):c.880G>T (p.Val294Phe)

Gene: PDE6A (phosphodiesterase 6A; minus strand). Cytogenetic location: 5q32.
Variant type: single nucleotide variant.
Coding change: c.880G>T on transcript NM_000440.3 (MANE Select); coding-DNA position 880, G replaced by T.
Protein change: p.Val294Phe; replaces valine 294 with phenylalanine.
Molecular consequence: missense variant.
Genome position (GRCh38, 1-based): chr5:149,921,688, C>A on the plus strand (G>T on the coding strand, the complement: PDE6A is on the minus strand). VCF-style: chr5-149921688-C-A. GRCh37 (hg19) VCF-style: chr5-149301251-C-A.
Other names: short protein forms V294F.
Identifiers: ClinVar variation 1373723 (VCV001373723.7), dbSNP rs980364042, ClinGen allele CA361700957.